The following is an entry in ClinVar:

NM_002292.4(LAMB2):c.2898del (p.Ala967fs)

Gene: LAMB2 (laminin subunit beta 2; minus strand). Cytogenetic location: 3p21.31.
Variant type: Deletion.
Coding change: c.2898del on transcript NM_002292.4 (MANE Select); coding-DNA position 2898, one base deleted (A; older notation c.2898delA).
Protein change: p.Ala967fs; shifts the reading frame from alanine 967.
Molecular consequence: frameshift variant.
Genome position (GRCh38, 1-based): chr3:49,124,912, T deleted on the plus strand (A on the coding strand, the reverse complement: LAMB2 is on the minus strand); the first of 2 consecutive T bases (chr3:49,124,912-49,124,913); deleting either gives the same sequence. VCF-style (leftmost placement, unchanged base first): chr3-49124911-CT-C. GRCh37 (hg19) VCF-style: chr3-49162344-CT-C.
Other names: short protein forms A967fs.
Identifiers: ClinVar variation 988164 (VCV000988164.1), dbSNP rs2045394381, ClinGen allele CA1363339167.

ClinVar aggregate classification (germline): Likely pathogenic (0 of 4 stars; one submission).

Conditions:
Nephrotic syndrome. Identifiers: MedGen C0027726, MONDO:0005377, HP:0000100.

Submission:

Sydney Genome Diagnostics, Children's Hospital Westmead
Classification: Likely pathogenic for Nephrotic syndrome. Last evaluated: 2018-06-19. Review status: no assertion criteria provided. Collection method: clinical testing. Allele origin: unknown. Affected: yes. Observed: 1 variant allele, 1 compound heterozygote.
Comment: This frameshifting variant is predicted to create a premature stop codon p.(Ala967Leufs*184) and may result in a null allele due to nonsense-mediated mRNA decay. The variant has not been reported in any population databases (i.e. gnomAD, ExAC, ESP or dbSNP). To our knowledge, this variant has not been previously reported in the literature or any disease specific databases. However, other truncating variants downstream of this amino acid have been described in ClinVar. This variant is considered to be likely pathogenic according to the ACMG guidelines.